The following is an entry in ClinVar:

ClinVar aggregate classification (germline): Uncertain significance (1 of 4 stars; one submission).

Conditions:
Cardiovascular phenotype. Identifiers: MedGen CN230736.

Allele frequency attached by ClinVar (database versions not stated): ExAC 0.00001; gnomAD exomes 0.00001.
gnomAD v4.1: 3 of 1,614,142 alleles (0.00019%); highest among the groups gnomAD compares: Admixed American, 0.0017%; no homozygotes.

Submission:

Ambry Genetics
Classification: Uncertain significance for Cardiovascular phenotype. Last evaluated: 2020-07-20. Review status: criteria provided, single submitter. Criteria: Ambry Variant Classification Scheme 2023. Collection method: clinical testing. Allele origin: germline.
Comment: The p.T469A variant (also known as c.1405A>G), located in coding exon 15 of the EYA4 gene, results from an A to G substitution at nucleotide position 1405. The threonine at codon 469 is replaced by alanine, an amino acid with similar properties. This amino acid position is highly conserved in available vertebrate species. In addition, this alteration is predicted to be deleterious by in silico analysis. Since supporting evidence is limited at this time, the clinical significance of this alteration remains unclear.

NM_004100.5(EYA4):c.1405A>G (p.Thr469Ala)

Genes: EYA4 (EYA transcriptional coactivator and phosphatase 4; plus strand), TARID (TCF21 antisense RNA inducing promoter demethylation; minus strand). Cytogenetic location: 6q23.2.
Variant type: single nucleotide variant.
Coding change: c.1405A>G on transcript NM_004100.5 (MANE Select); coding-DNA position 1405, A replaced by G.
Protein change: p.Thr469Ala; replaces threonine 469 with alanine.
Molecular consequence: missense variant.
Genome position (GRCh38, 1-based): chr6:133,512,942, A>G. VCF-style: chr6-133512942-A-G. GRCh37 (hg19) VCF-style: chr6-133834080-A-G.
Other names: c.1261A>G, p.Thr421Ala (NM_001370459.1); c.1336A>G, p.Thr446Ala (NM_172103.4, NM_001370458.1); c.1405A>G, p.Thr469Ala (NM_172105.4); c.1243A>G, p.Thr415Ala (NM_001301012.2); c.1423A>G, p.Thr475Ala (NM_001301013.2); short protein forms T415A, T446A, T475A, T469A, T421A.
Identifiers: ClinVar variation 1771882 (VCV001771882.2), dbSNP rs755567144, ClinGen allele CA4008357.